The following is an entry in ClinVar:

ClinVar aggregate classification (germline): Benign/Likely benign. Review status: criteria provided, multiple submitters, no conflicts (2 of 4 stars). 4 submissions from 4 submitters: Benign (1); Likely benign (2). 1 of the submissions does not count toward it. Last evaluated 2025-08-04.

Conditions:
Cenani-Lenz syndactyly syndrome. Also called: CENANI SYNDACTYLISM; SYNDACTYLY, TYPE VII. Identifiers: Orphanet 3258, MedGen C1859309, MONDO:0008931, OMIM 212780.
Congenital myasthenic syndrome 17. Identifiers: Orphanet 590, MedGen C4225377, MONDO:0014578, OMIM 616304.
Sclerosteosis 2 (SOST2). Identifiers: Orphanet 3152, MedGen C3280402, MONDO:0013679, OMIM 614305.
LRP4-related disorder. Also called: LRP4-related condition.

Allele frequency attached by ClinVar (database versions not stated): gnomAD 0.00003; TOPMed 0.00016; 1000 Genomes Project 30x 0.00094; 1000 Genomes Project 0.00120.
gnomAD v4.1: 798 of 1,585,514 alleles (0.05%); highest among the groups gnomAD compares: East Asian, 1.8%; 14 homozygotes.

Submissions (4):

Labcorp Genetics (formerly Invitae), Labcorp
Classification: Benign for Cenani-Lenz syndactyly syndrome; Sclerosteosis 2; Congenital myasthenic syndrome 17. Last evaluated: 2025-08-04. Review status: criteria provided, single submitter. Criteria: Invitae Variant Classification Sherloc (09022015). Collection method: clinical testing. Allele origin: germline.

Fulgent Genetics
Classification: Likely benign for Cenani-Lenz syndactyly syndrome; Sclerosteosis 2; Congenital myasthenic syndrome 17. Last evaluated: 2021-10-22. Review status: criteria provided, single submitter. Criteria: ACMG Guidelines, 2015. Collection method: clinical testing. Allele origin: unknown.

Illumina Laboratory Services, Illumina
Classification: Likely benign for Cenani-Lenz syndactyly syndrome. Last evaluated: 2018-01-13. Review status: criteria provided, single submitter. Criteria: ICSL Variant Classification Criteria 13 December 2019. Collection method: clinical testing. Allele origin: germline.
Comment: This variant was observed in the ICSL laboratory as part of a predisposition screen in an ostensibly healthy population. It had not been previously curated by ICSL or reported in the Human Gene Mutation Database (HGMD: prior to June 1st, 2018), and was therefore a candidate for classification through an automated scoring system. Utilizing variant allele frequency, disease prevalence and penetrance estimates, and inheritance mode, an automated score was calculated to assess if this variant is too frequent to cause the disease. Based on the score and internal cut-off values, a variant classified as likely benign is not then subjected to further curation. The score for this variant resulted in a classification of likely benign for this disease.

PreventionGenetics, part of Exact Sciences
Classification: Likely benign for LRP4-related condition. Last evaluated: 2024-02-08. Review status: no assertion criteria provided. Collection method: clinical testing. Allele origin: germline. Not counted in ClinVar's aggregate classification.
Comment: This variant is classified as likely benign based on ACMG/AMP sequence variant interpretation guidelines (Richards et al. 2015 PMID: 25741868, with internal and published modifications).

NM_002334.4(LRP4):c.431-8C>T

Gene: LRP4 (LDL receptor related protein 4; minus strand). Cytogenetic location: 11p11.2.
Variant type: single nucleotide variant.
Coding change: c.431-8C>T on transcript NM_002334.4 (MANE Select); 8 bases into the intron before coding-DNA position 431, C replaced by T.
Molecular consequence: intron variant.
Genome position (GRCh38, 1-based): chr11:46,899,511, G>A on the plus strand (C>T on the coding strand, the complement: LRP4 is on the minus strand). VCF-style: chr11-46899511-G-A. GRCh37 (hg19) VCF-style: chr11-46921062-G-A.
Identifiers: ClinVar variation 304901 (VCV000304901.18), dbSNP rs150531536, ClinGen allele CA5970493.